The following is an entry in ClinVar:

ClinVar aggregate classification (germline): Uncertain significance. Review status: criteria provided, multiple submitters, no conflicts (2 of 4 stars). 2 submissions from 2 submitters: Uncertain significance (2). Last evaluated 2024-08-20.

Conditions:
Hereditary cancer-predisposing syndrome. Also called: Neoplastic Syndromes, Hereditary; Tumor predisposition; Hereditary neoplastic syndrome; Hereditary Cancer Syndrome. Identifiers: Orphanet 140162, MedGen C0027672, MeSH D009386, MONDO:0015356.
BAP1-related tumor predisposition syndrome (TPDS1). Also called: COMMON Syndrome; Tumor susceptibility linked to germline BAP1 mutations; TUMOR PREDISPOSITION SYNDROME 1; BAP1 tumor predisposition syndrome. Identifiers: Orphanet 289539, MedGen C3280492, MONDO:0013692, OMIM 614327.

Submissions (2):

Ambry Genetics
Classification: Uncertain significance for Hereditary cancer-predisposing syndrome. Last evaluated: 2024-08-20. Review status: criteria provided, single submitter. Criteria: Ambry Variant Classification Scheme 2023. Collection method: clinical testing. Allele origin: germline.
Comment: The p.V27A variant (also known as c.80T>C), located in coding exon 3 of the BAP1 gene, results from a T to C substitution at nucleotide position 80. The valine at codon 27 is replaced by alanine, an amino acid with similar properties. This amino acid position is highly conserved in available vertebrate species. In addition, this alteration is predicted to be deleterious by in silico analysis. Based on the available evidence, the clinical significance of this variant remains unclear.

Labcorp Genetics (formerly Invitae), Labcorp
Classification: Uncertain significance for BAP1-related tumor predisposition syndrome. Last evaluated: 2021-05-07. Review status: criteria provided, single submitter. Criteria: Invitae Variant Classification Sherloc (09022015). Collection method: clinical testing. Allele origin: germline.
Comment: In summary, the available evidence is currently insufficient to determine the role of this variant in disease. Therefore, it has been classified as a Variant of Uncertain Significance. Algorithms developed to predict the effect of missense changes on protein structure and function are either unavailable or do not agree on the potential impact of this missense change (SIFT: "Deleterious"; PolyPhen-2: "Benign"; Align-GVGD: "Class C25"). This variant has not been reported in the literature in individuals with BAP1-related conditions. This variant is not present in population databases (ExAC no frequency). This sequence change replaces valine with alanine at codon 27 of the BAP1 protein (p.Val27Ala). The valine residue is highly conserved and there is a small physicochemical difference between valine and alanine.

NM_004656.4(BAP1):c.80T>C (p.Val27Ala)

Gene: BAP1 (BRCA1 associated deubiquitinase 1; minus strand). Cytogenetic location: 3p21.1.
Variant type: single nucleotide variant.
Coding change: c.80T>C on transcript NM_004656.4 (MANE Select); coding-DNA position 80, T replaced by C.
Protein change: p.Val27Ala; replaces valine 27 with alanine.
Molecular consequence: missense variant.
Genome position (GRCh38, 1-based): chr3:52,409,596, A>G on the plus strand (T>C on the coding strand, the complement: BAP1 is on the minus strand). VCF-style: chr3-52409596-A-G. GRCh37 (hg19) VCF-style: chr3-52443612-A-G.
Other names: c.80T>C (NM_004656.2); short protein forms V27A.
Identifiers: ClinVar variation 1352068 (VCV001352068.9), dbSNP rs2153228545, ClinGen allele CA353114711.